The following is an entry in ClinVar:

NM_014989.7(RIMS1):c.1487T>C (p.Leu496Pro)

Gene: RIMS1 (regulating synaptic membrane exocytosis 1; plus strand). Cytogenetic location: 6q13.
Variant type: single nucleotide variant.
Coding change: c.1487T>C on transcript NM_014989.7 (MANE Select); coding-DNA position 1487, T replaced by C.
Protein change: p.Leu496Pro; replaces leucine 496 with proline.
Molecular consequence: missense variant.
Genome position (GRCh38, 1-based): chr6:72,182,958, T>C. VCF-style: chr6-72182958-T-C. GRCh37 (hg19) VCF-style: chr6-72892661-T-C.
Other names: short protein forms L496P.
Identifiers: ClinVar variation 1478570 (VCV001478570.8), dbSNP rs2048566694, ClinGen allele CA364821611.

ClinVar aggregate classification (germline): Uncertain significance (1 of 4 stars; one submission).

Allele frequency attached by ClinVar (database versions not stated): TOPMed below 0.00001.

Submission:

Labcorp Genetics (formerly Invitae), Labcorp
Classification: Uncertain significance. Last evaluated: 2021-01-29. Review status: criteria provided, single submitter. Criteria: Invitae Variant Classification Sherloc (09022015). Collection method: clinical testing. Allele origin: germline.
Comment: This sequence change replaces leucine with proline at codon 496 of the RIMS1 protein (p.Leu496Pro). The leucine residue is highly conserved and there is a moderate physicochemical difference between leucine and proline. In summary, the available evidence is currently insufficient to determine the role of this variant in disease. Therefore, it has been classified as a Variant of Uncertain Significance. Algorithms developed to predict the effect of missense changes on protein structure and function are either unavailable or do not agree on the potential impact of this missense change (SIFT: "Deleterious"; PolyPhen-2: "Possibly Damaging"; Align-GVGD: "Class C0"). This variant has not been reported in the literature in individuals with RIMS1-related conditions. This variant is not present in population databases (ExAC no frequency).